The following is an entry in ClinVar:

NM_001128225.3(SLC39A13):c.406G>A (p.Ala136Thr)

Gene: SLC39A13 (solute carrier family 39 member 13; plus strand). Cytogenetic location: 11p11.2.
Variant type: single nucleotide variant.
Coding change: c.406G>A on transcript NM_001128225.3 (MANE Select); coding-DNA position 406, G replaced by A.
Protein change: p.Ala136Thr; replaces alanine 136 with threonine.
Molecular consequence: missense variant. On other transcripts: non-coding transcript variant (1).
Genome position (GRCh38, 1-based): chr11:47,412,030, G>A. VCF-style: chr11-47412030-G-A. GRCh37 (hg19) VCF-style: chr11-47433581-G-A.
Other names: c.406G>A, p.Ala136Thr (NM_001330245.2, NM_152264.5); short protein forms A136T.
Identifiers: ClinVar variation 706249 (VCV000706249.14), dbSNP rs141246142, ClinGen allele CA5975756.

ClinVar aggregate classification (germline): Likely benign. Review status: criteria provided, multiple submitters, no conflicts (2 of 4 stars). 3 submissions from 3 submitters: Likely benign (2). 1 of the submissions does not count toward it. Last evaluated 2026-05-14.

Conditions:
SLC39A13-related disorder. Also called: SLC39A13-related condition.
Ehlers-Danlos syndrome, spondylodysplastic type, 3. Also called: Ehlers-Danlos syndrome, spondylocheirodysplastic type. Identifiers: Orphanet 157965, MedGen C2676510, MONDO:0012873, OMIM 612350.

Allele frequency attached by ClinVar (database versions not stated): gnomAD exomes 0.00025; ExAC 0.00037; TOPMed 0.00085; 1000 Genomes Project 30x 0.00094; gnomAD 0.00098 and 0.00105; ESP Exome Variant Server 0.00108; 1000 Genomes Project 0.00120.
gnomAD v4.1: 296 of 1,609,196 alleles (0.018%); highest among the groups gnomAD compares: African/African-American, 0.34%; no homozygotes.

Submissions (3):

Women's Health and Genetics/Laboratory Corporation of America, LabCorp
Classification: Likely benign. Last evaluated: 2026-05-14. Review status: criteria provided, single submitter. Criteria: LabCorp Variant Classification Summary - May 2015. Collection method: clinical testing. Allele origin: germline.
Comment: Variant summary: SLC39A13 c.406G>A (p.Ala136Thr) results in a non-conservative amino acid change in the encoded protein sequence. Algorithms developed to predict the effect of missense changes on protein structure and function are either unavailable or do not agree on the potential impact of this missense change. The variant allele was found at a frequency of 0.00025 in 236858 control chromosomes, predominantly at a frequency of 0.0034 within the African or African-American subpopulation in the gnomAD database. The observed variant frequency within African or African-American control individuals in the gnomAD database exceeds the estimated maximal expected allele frequency for disease-causing variants in SLC39A13. To our knowledge, no occurrence of c.406G>A in individuals affected with SLC39A13-related conditions and no experimental evidence demonstrating its impact on protein function have been reported. ClinVar contains an entry for this variant (Variation ID: 706249). Based on the evidence outlined above, the variant was classified as likely benign.

Labcorp Genetics (formerly Invitae), Labcorp
Classification: Likely benign for Ehlers-Danlos syndrome, spondylodysplastic type, 3. Last evaluated: 2025-12-22. Review status: criteria provided, single submitter. Criteria: Invitae Variant Classification Sherloc (09022015). Collection method: clinical testing. Allele origin: germline.

PreventionGenetics, part of Exact Sciences
Classification: Likely benign for SLC39A13-related condition. Last evaluated: 2022-12-12. Review status: no assertion criteria provided. Collection method: clinical testing. Allele origin: germline. Not counted in ClinVar's aggregate classification.
Comment: This variant is classified as likely benign based on ACMG/AMP sequence variant interpretation guidelines (Richards et al. 2015 PMID: 25741868, with internal and published modifications).